The following is an entry in ClinVar:

ClinVar aggregate classification (germline): Likely benign. Review status: criteria provided, multiple submitters, no conflicts (2 of 4 stars). 3 submissions from 3 submitters: Likely benign (3). Last evaluated 2026-03-27.

Allele frequency attached by ClinVar (database versions not stated): gnomAD exomes 0.00006; ExAC 0.00011; TOPMed 0.00019; ESP Exome Variant Server 0.00023; gnomAD 0.00025; 1000 Genomes Project 30x 0.00031; 1000 Genomes Project 0.00040.
gnomAD v4.1: 131 of 1,614,128 alleles (0.0081%); highest among the groups gnomAD compares: Middle Eastern, 0.13%; 1 homozygote.

Submissions (3):

Molecular Diagnostic Laboratory for Inherited Cardiovascular Disease, Montreal Heart Institute
Classification: Likely benign. Last evaluated: 2026-03-27. Review status: criteria provided, single submitter. Criteria: ACMG Guidelines, 2015. Collection method: clinical testing. Allele origin: germline. Affected: no.
Comment: BS1:BP7

Blueprint Genetics
Classification: Likely benign. Last evaluated: 2024-08-22. Review status: criteria provided, single submitter. Criteria: ACMG Guidelines, 2015. Collection method: clinical testing. Allele origin: germline.

CeGaT Center for Human Genetics Tuebingen
Classification: Likely benign. Last evaluated: 2023-04-01. Review status: criteria provided, single submitter. Criteria: CeGaT Center For Human Genetics Tuebingen Variant Classification Criteria Version 2. Collection method: clinical testing. Allele origin: germline. Affected: yes. Observed: 1 variant allele.
Comment: FHOD3: BP4, BP7

NM_001281740.3(FHOD3):c.3999C>T (p.Ser1333=)

Gene: FHOD3 (formin homology 2 domain containing 3; plus strand). Cytogenetic location: 18q12.2.
Variant type: single nucleotide variant.
Coding change: c.3999C>T on transcript NM_001281740.3 (MANE Select); coding-DNA position 3999, C replaced by T.
Protein change: p.Ser1333=; no amino-acid change (serine 1333 retained).
Molecular consequence: synonymous variant.
Genome position (GRCh38, 1-based): chr18:36,744,151, C>T. VCF-style: chr18-36744151-C-T. GRCh37 (hg19) VCF-style: chr18-34324114-C-T.
Other names: c.3423C>T, p.Ser1141= (NM_001281739.3); c.3474C>T, p.Ser1158= (NM_025135.5).
Identifiers: ClinVar variation 2648680 (VCV002648680.25), dbSNP rs138863207, ClinGen allele CA8942239.
Genomic context (GRCh38, chr18:36,744,151, plus strand): 5'-CAAGCAGTCGCTTCTCCACCATGTGTGCACCATGGTGGTAGAAAACTTCCCAGACAGCTC[C>T]GATCTGTACTCGGAGATCGGGGCCATCACCAGGTCAGCCAAGGTATGTCTGTGGACGCTG-3'
Protein context (NP_001268669.1, residues 1323-1343): TMVVENFPDS[Ser1333=]DLYSEIGAIT